The following is an entry in ClinVar:

ClinVar aggregate classification (germline): Pathogenic (1 of 4 stars; one submission).

Conditions:
Hereditary cancer-predisposing syndrome. Also called: Neoplastic Syndromes, Hereditary; Tumor predisposition; Hereditary Cancer Syndrome; Hereditary neoplastic syndrome. Identifiers: Orphanet 140162, MedGen C0027672, MeSH D009386, MONDO:0015356.

Submission:

Ambry Genetics
Classification: Pathogenic for Hereditary cancer-predisposing syndrome. Last evaluated: 2022-05-25. Review status: criteria provided, single submitter. Criteria: Ambry Variant Classification Scheme 2023. Collection method: clinical testing. Allele origin: germline.
Comment: The c.1802_1809dupAGCAACTA pathogenic mutation, located in coding exon 5 of the PALB2 gene, results from a duplication of AGCAACTA at nucleotide position 1802, causing a translational frameshift with a predicted alternate stop codon (p.L604Sfs*27). This variant is considered to be rare based on population cohorts in the Genome Aggregation Database (gnomAD). This alteration is expected to result in loss of function by premature protein truncation or nonsense-mediated mRNA decay. As such, this alteration is interpreted as a disease-causing mutation.

NM_024675.4(PALB2):c.1802_1809dup (p.Leu604fs)

Gene: PALB2 (partner and localizer of BRCA2; minus strand). Cytogenetic location: 16p12.2.
Variant type: Duplication.
Coding change: c.1802_1809dup on transcript NM_024675.4 (MANE Select); coding-DNA positions 1802 to 1809, 8 bases duplicated (AGCAACTA; older notation c.1802_1809dupAGCAACTA).
Protein change: p.Leu604fs; shifts the reading frame from leucine 604.
Molecular consequence: frameshift variant.
Genome position (GRCh38, 1-based): chr16:23,630,345-23,630,352, TAGTTGCT duplicated on the plus strand (AGCAACTA on the coding strand, the reverse complement: PALB2 is on the minus strand); duplicating any 8 consecutive bases within chr16:23,630,345-23,630,353 gives the same sequence; the c. name uses the placement nearest the transcript's 3' end. VCF-style (leftmost placement, unchanged base first): chr16-23630344-G-GTAGTTGCT. GRCh37 (hg19) VCF-style: chr16-23641665-G-GTAGTTGCT.
Other names: c.1741_1748dup, p.Leu584Serfs (NM_001407296.1); c.1801_1808dup, p.Leu604Serfs (NM_001407297.1, NM_001407298.1, NM_001407299.1 and 3 more transcripts); c.916_923dup, p.Leu309Serfs (NM_001407304.1, NM_001407305.1, NM_001407306.1 and 5 more transcripts); c.13_20dup, p.Leu8Serfs (NM_001407312.1, NM_001407313.1); c.1802_1809dupAGCAACTA (NM_024675.3); short protein forms L604fs.
Identifiers: ClinVar variation 1780422 (VCV001780422.2), dbSNP rs2506435689, ClinGen allele CA2580091395.